The following is an entry in ClinVar:

ClinVar aggregate classification (germline): Likely benign (1 of 4 stars; one submission).

Allele frequency attached by ClinVar (database versions not stated): 1000 Genomes Project 0.00020; 1000 Genomes Project 30x 0.00031; gnomAD 0.00093; ESP Exome Variant Server 0.00150; ExAC 0.00167; TOPMed 0.00197.
gnomAD v4.1: 2,546 of 1,610,542 alleles (0.16%); highest among the groups gnomAD compares: Non-Finnish European, 0.18%; 7 homozygotes.

Submission:

CeGaT Center for Human Genetics Tuebingen
Classification: Likely benign. Last evaluated: 2022-08-01. Review status: criteria provided, single submitter. Criteria: CeGaT Center For Human Genetics Tuebingen Variant Classification Criteria Version 2. Collection method: clinical testing. Allele origin: germline. Affected: yes. Observed: 1 variant allele.
Comment: HEG1: BP4, BP7

NM_020733.2(HEG1):c.4044G>A (p.Pro1348=)

Gene: HEG1 (heart development protein with EGF like domains 1; minus strand). Cytogenetic location: 3q21.2.
Variant type: single nucleotide variant.
Coding change: c.4044G>A on transcript NM_020733.2 (MANE Select); coding-DNA position 4044, G replaced by A.
Protein change: p.Pro1348=; no amino-acid change (proline 1348 retained).
Molecular consequence: synonymous variant.
Genome position (GRCh38, 1-based): chr3:124,970,754, C>T on the plus strand (G>A on the coding strand, the complement: HEG1 is on the minus strand). VCF-style: chr3-124970754-C-T. GRCh37 (hg19) VCF-style: chr3-124689598-C-T.
Identifiers: ClinVar variation 2654089 (VCV002654089.24), dbSNP rs186255239, ClinGen allele CA2583412.